The following is an entry in ClinVar:

ClinVar aggregate classification (germline): Uncertain significance (1 of 4 stars; one submission).

Submission:

Ambry Genetics
Classification: Uncertain significance. Last evaluated: 2024-08-25. Review status: criteria provided, single submitter. Criteria: Ambry Variant Classification Scheme 2023. Collection method: clinical testing. Allele origin: germline.
Comment: The p.V1356M variant (also known as c.4066G>A), located in coding exon 32 of the A2ML1 gene, results from a G to A substitution at nucleotide position 4066. The valine at codon 1356 is replaced by methionine, an amino acid with highly similar properties. This amino acid position is conserved. In addition, this alteration is predicted to be tolerated by in silico analysis. Based on the available evidence, the clinical significance of this variant remains unclear.

NM_144670.6(A2ML1):c.4066G>A (p.Val1356Met)

Gene: A2ML1 (alpha-2-macroglobulin like 1; plus strand). Cytogenetic location: 12p13.31.
Variant type: single nucleotide variant.
Coding change: c.4066G>A on transcript NM_144670.6 (MANE Select); coding-DNA position 4066, G replaced by A.
Protein change: p.Val1356Met; replaces valine 1356 with methionine.
Molecular consequence: missense variant.
Genome position (GRCh38, 1-based): chr12:8,868,541, G>A. VCF-style: chr12-8868541-G-A. GRCh37 (hg19) VCF-style: chr12-9021137-G-A.
Other names: c.2593G>A, p.Val865Met (NM_001282424.3); short protein forms V1356M, V865M.
Identifiers: ClinVar variation 3521535 (VCV003521535.1).
Genomic context (GRCh38, chr12:8,868,541, plus strand): 5'-ATGCAGAGTGCACTGAAGTAATAGGCTCACATGTGTTTTCTTCTTCCTGCTCTCAGTTAT[G>A]TGGGGAGCCGTAGCTCTTCCAATATGGCTATTGTGGAAGTGAAGATGCTATCTGGGTTCA-3'
Protein context (NP_653271.3, residues 1346-1366): SLTLTIHTSY[Val1356Met]GSRSSSNMAI